The following is an entry in ClinVar:

NM_000540.3(RYR1):c.1589G>A (p.Arg530His)

Gene: RYR1 (ryanodine receptor 1; plus strand). Cytogenetic location: 19q13.2.
Variant type: single nucleotide variant.
Coding change: c.1589G>A on transcript NM_000540.3 (MANE Select); coding-DNA position 1589, G replaced by A.
Protein change: p.Arg530His; replaces arginine 530 with histidine.
Molecular consequence: missense variant.
Genome position (GRCh38, 1-based): chr19:38,455,463, G>A. VCF-style: chr19-38455463-G-A. GRCh37 (hg19) VCF-style: chr19-38946103-G-A.
Other names: NM_000540.3(RYR1):c.1589G>A; c.1589G>A, p.Arg530His (NM_001042723.2); short protein forms R530H.
Identifiers: ClinVar variation 133101 (VCV000133101.90), dbSNP rs111888148, ClinGen allele CA024291.

ClinVar aggregate classification (germline): Likely pathogenic. Review status: reviewed by expert panel (3 of 4 stars). 25 submissions from 25 submitters: Likely pathogenic (1). 24 of the submissions do not count toward it. Last evaluated 2025-08-01.

Conditions:
Congenital multicore myopathy with external ophthalmoplegia (CMYO1B). Also called: Congenital myopathy 1B, autosomal recessive; Minicore myopathy; MULTICORE MYOPATHY; MULTIMINICORE DISEASE WITH EXTERNAL OPHTHALMOPLEGIA; Minicore myopathy with external ophthalmoplegia. Identifiers: Orphanet 598, Orphanet 98905, MedGen C1850674, MONDO:0009712, OMIM 255320, HP:0003789.
Central core myopathy (CMYO1A). Also called: CONGENITAL MYOPATHY 1A, AUTOSOMAL DOMINANT, WITH SUSCEPTIBILITY TO MALIGNANT HYPERTHERMIA; Central core disease; Myopathy, central fibrillar. Identifiers: Orphanet 597, MedGen C5830701, MONDO:0007294, OMIM 117000.
King Denborough syndrome (KDS). Identifiers: MedGen C1840365, MONDO:0020485, OMIM 619542.
Malignant hyperthermia, susceptibility to, 1 (MHS1). Also called: Malignant hyperthermia suceptibility 1; Anesthesia related hyperthermia; Malignant hyperpyrexia; Fulminating hyperpyrexia; Pharmacogenic myopathy; RYR1-Related Malignant Hyperthermia Susceptibility. Identifiers: Orphanet 423, MedGen C2930980, MONDO:0007783, OMIM 145600.
RYR1-related disorder. Also called: RYR1-related disorders; RYR1-related condition. Identifiers: MedGen CN239331.
Inborn genetic diseases. Identifiers: MedGen C0950123, MeSH D030342.
Malignant hyperthermia of anesthesia. Also called: Anesthesic-triggered malignant hyperthermia. Identifiers: Orphanet 423, MedGen C0024591, MONDO:0018493, HP:0034733.

Allele frequency attached by ClinVar (database versions not stated): gnomAD 0.00003; gnomAD exomes 0.00003 and 0.00006; ExAC 0.00007; TOPMed 0.00007; ESP Exome Variant Server 0.00015.
gnomAD v4.1: 47 of 1,613,974 alleles (0.0029%); highest among the groups gnomAD compares: Middle Eastern, 0.016%; no homozygotes.

Submissions 1 to 6 of 25:

ClinGen Malignant Hyperthermia Susceptibility Variant Curation Expert Panel, ClinGen
Classification: Likely pathogenic for Malignant hyperthermia, susceptibility to, 1. Last evaluated: 2025-08-01. Review status: reviewed by expert panel. Criteria: ClinGen MHS ACMG Specifications V2. Collection method: curation. Allele origin: germline. Inheritance: Autosomal dominant inheritance. Study: ClinGen.
Comment: This pathogenicity assessment is relevant only for malignant hyperthermia susceptibility (MHS) inherited in an autosomal dominant pattern. Variants in RYR1 can also cause other myopathies inherited in an autosomal dominant pattern or in an autosomal recessive pattern. Some of these disorders may predispose individuals to malignant hyperthermia. RYR1 variants may also contribute to a malignant hyperthermia reaction in combination with other genetic and non-genetic factors and the clinician needs to consider such factors in making management decisions. This sequence variant predicts a substitution of Arginine with Histidine at codon 530 of the RYR1 protein, p.(Arg530His). The maximum allele frequency for this variant among the six major gnomAD populations is AMR: 0.000145, a frequency consistent with pathogenicity for MHS. This variant has been reported in five unrelated individuals who have a personal or family history of a malignant hyperthermia reaction, all of these individuals had a positive in vitro contracture test (IVCT) or caffeine halothane contracture test (CHCT) result (if the proband was unavailable for testing, a positive diagnostic test result in a mutation-positive relative was counted), PS4_Moderate (PMID:19191329, PMID:19191333, PMID:30236257, PMID:35718563). A functional study was published for this variant looking at acidification rates in B-lymphocytes, this assay is not considered a standard assay by the ClinGen RYR1 VCEP for MHS (PMID:27646467). This variant resides in a region of RYR1 considered to be a hotspot for pathogenic variants that contribute to MHS, PM1 (PMID:21118704). This variant segregates with MHS in 2 individuals (PMID:19191333). A REVEL score >0.85 supports a pathogenic status for this variant, PP3_Moderate. This variant has been classified as Likely Pathogenic. Criteria implemented: PS4_Moderate, PM1, PP3_Moderate.

Ambry Genetics
Classification: Likely pathogenic for Inborn genetic diseases. Last evaluated: 2026-03-20. Review status: criteria provided, single submitter. Criteria: Ambry Variant Classification Scheme 2023. Collection method: clinical testing. Allele origin: germline. Not counted in ClinVar's aggregate classification.
Comment: The c.1589G>A (p.R530H) alteration is located in exon 15 (coding exon 15) of the RYR1 gene. This alteration results from a G to A substitution at nucleotide position 1589, causing the arginine (R) at amino acid position 530 to be replaced by a histidine (H). Based on data from gnomAD, the A allele has an overall frequency of 0.006% (14/251494) total alleles studied. The highest observed frequency was 0.016% (1/6140) of Other alleles. This variant was reported in multiple individuals, and was shown to segregate with disease in one family, with a reported malignant hyperthermia (MH) event, a positive IVCT, and/or a family history of MH (Levano, 2009; Zullo, 2009; Miller, 2018). This amino acid position is highly conserved in available vertebrate species. This alteration is predicted to be deleterious by in silico analysis. Based on the available evidence, this alteration is classified as likely pathogenic.

Mendelics
Classification: Pathogenic for Central core myopathy. Last evaluated: 2026-03-05. Review status: criteria provided, single submitter. Criteria: ACMG Guidelines, 2015. Collection method: clinical testing. Allele origin: unknown. Not counted in ClinVar's aggregate classification.
Comment: Likely pathogenic/Pathogenic according to ACMG criteria.

GeneDx
Classification: Likely pathogenic. Last evaluated: 2025-12-02. Review status: criteria provided, single submitter. Criteria: GeneDx Variant Classification Process June 2021. Collection method: clinical testing. Allele origin: germline. Affected: yes. Not counted in ClinVar's aggregate classification.
Comment: Identified in an infant with malignant hyperthermia who harbored a second pathogenic RYR1 variant on the opposite allele (in trans) (PMID: 33625594); Published functional studies suggest that this variant results in altered channel function as compared to controls (PMID: 19191333, 32236737); Not observed at significant frequency in large population cohorts (gnomAD); In silico analysis supports that this missense variant has a deleterious effect on protein structure/function; This variant is associated with the following publications: (PMID: 27147545, 33767344, 33259453, 37728764, 16917943, 19191329, 25637381, 30155738, 32236737, 34426522, 31589614, 34428338, 37838930, 37510298, 31301762, 34849273, 33146414, 30291343, 37787745, 26578207, 19191333, 30236257, 33625594, 27646467, 35718563, 39669589, 40869992, 40970488)

Labcorp Genetics (formerly Invitae), Labcorp
Classification: Pathogenic for RYR1-related disorder. Last evaluated: 2025-11-13. Review status: criteria provided, single submitter. Criteria: Invitae Variant Classification Sherloc (09022015). Collection method: clinical testing. Allele origin: germline. Not counted in ClinVar's aggregate classification.
Comment: This sequence change replaces arginine, which is basic and polar, with histidine, which is basic and polar, at codon 530 of the RYR1 protein (p.Arg530His). This variant is present in population databases (rs111888148, gnomAD 0.01%). This missense change has been observed in individuals with autosomal dominant malignant hyperthermia susceptibility (PMID: 19191329, 19191333, 30236257). It has also been observed to segregate with disease in related individuals. This variant has been reported in individual(s) with clinical features of autosomal recessive congenital myopathy (PMID: 26578207); however, the role of the variant in this condition is currently unclear. ClinVar contains an entry for this variant (Variation ID: 133101). Invitae Evidence Modeling of protein sequence and biophysical properties (such as structural, functional, and spatial information, amino acid conservation, physicochemical variation, residue mobility, and thermodynamic stability) indicates that this missense variant is expected to disrupt RYR1 protein function with a positive predictive value of 95%. Experimental studies have shown that this missense change affects RYR1 function (PMID: 19191333, 27646467). For these reasons, this variant has been classified as Pathogenic.

Color Diagnostics, LLC DBA Color Health
Classification: Likely pathogenic for Malignant hyperthermia, susceptibility to, 1. Last evaluated: 2025-08-04. Review status: criteria provided, single submitter. Criteria: ACMG Guidelines, 2015. Collection method: clinical testing. Allele origin: germline. Not counted in ClinVar's aggregate classification.
Comment: This missense variant replaces arginine with histidine at codon 530 of the RYR1 protein. Computational prediction suggests that this variant may have deleterious impact on protein structure and function. This variant occurs in a region of RYR1 considered to be a hotspot for pathogenic variants that contribute to malignant hyperthermia susceptibility (PMID: 21118704). It has been shown that immortalized B-lymphocytes from individuals carrying this variant undergo higher acidification after treatment with 4-CmC or ryanodine than B-lymphocytes carrying wild-type RYR1 (PMID: 19191333, 27646467). This variant has been reported in seven families/individuals affected with malignant hyperthermia susceptibility (PMID: 19191329, 19191333, 27646467, 30236257, 33625594, 35718563), including four families/individuals with a personal or family history of a malignant hyperthermia event and a positive in vitro contracture test (PMID: 19191329, 30236257, 35718563) and one individual who carried another pathogenic variant in the RYR1 gene (PMID: 33625594). This variant has been observed in three related individuals affected with malignant hyperthermia susceptibility (PMID: 19191333). This variant has been identified in 14/251494 chromosomes in the general population by the Genome Aggregation Database (gnomAD). Based on the available evidence, this variant is classified as Likely Pathogenic.